The following is an entry in ClinVar:

NM_001377.3(DYNC2H1):c.6080G>T (p.Arg2027Ile)

Gene: DYNC2H1 (dynein cytoplasmic 2 heavy chain 1; plus strand). Cytogenetic location: 11q22.3.
Variant type: single nucleotide variant.
Coding change: c.6080G>T on transcript NM_001377.3 (MANE Select); coding-DNA position 6080, G replaced by T.
Protein change: p.Arg2027Ile; replaces arginine 2027 with isoleucine.
Molecular consequence: missense variant.
Genome position (GRCh38, 1-based): chr11:103,177,761, G>T. VCF-style: chr11-103177761-G-T. GRCh37 (hg19) VCF-style: chr11-103048490-G-T.
Other names: c.6080G>T, p.Arg2027Ile (NM_001080463.2); short protein forms R2027I.
Identifiers: ClinVar variation 4795432 (VCV004795432.1).

ClinVar aggregate classification (germline): Uncertain significance (1 of 4 stars; one submission).

Submission:

GeneDx
Classification: Uncertain significance. Last evaluated: 2025-08-11. Review status: criteria provided, single submitter. Criteria: GeneDx Variant Classification Process June 2021. Collection method: clinical testing. Allele origin: germline. Affected: yes.
Comment: Not observed at significant frequency in large population cohorts (gnomAD); In silico analysis supports that this missense variant has a deleterious effect on protein structure/function; Has not been previously published as pathogenic or benign to our knowledge